The following is an entry in ClinVar:

ClinVar aggregate classification (germline): Pathogenic (1 of 4 stars; one submission).

Conditions:
Juvenile polyposis syndrome (JPS). Identifiers: Orphanet 2929, MedGen C0345893, MONDO:0017380, OMIM 174900.

Submission:

Labcorp Genetics (formerly Invitae), Labcorp
Classification: Pathogenic for Juvenile polyposis syndrome. Last evaluated: 2025-06-11. Review status: criteria provided, single submitter. Criteria: Invitae Variant Classification Sherloc (09022015). Collection method: clinical testing. Allele origin: germline.
Comment: This sequence change creates a premature translational stop signal (p.Arg191Serfs*2) in the BMPR1A gene. It is expected to result in an absent or disrupted protein product. Loss-of-function variants in BMPR1A are known to be pathogenic (PMID: 11536076, 12417513). This variant is not present in population databases (gnomAD no frequency). This variant has not been reported in the literature in individuals affected with BMPR1A-related conditions. For these reasons, this variant has been classified as Pathogenic.

Literature cited by the submitters: PubMed 11536076; PubMed 12417513.

NM_004329.3(BMPR1A):c.570dup (p.Arg191fs)

Gene: BMPR1A (bone morphogenetic protein receptor type 1A; plus strand). Cytogenetic location: 10q23.2.
Variant type: Duplication.
Coding change: c.570dup on transcript NM_004329.3 (MANE Select); coding-DNA position 570, one base duplicated (T; older notation c.570dupT).
Protein change: p.Arg191fs; shifts the reading frame from arginine 191.
Molecular consequence: frameshift variant. On other transcripts: non-coding transcript variant (3), intron variant (1).
Genome position (GRCh38, 1-based): chr10:86,912,279, T duplicated. VCF-style (leftmost placement, unchanged base first): chr10-86912278-A-AT. GRCh37 (hg19) VCF-style: chr10-88672035-A-AT.
Other names: c.645dup, p.Arg216fs (NM_001406559.1); c.618dup, p.Arg207fs (NM_001406560.1); c.570dup, p.Arg191fs (NM_001406561.1, NM_001406562.1, NM_001406563.1 and 20 more transcripts); c.486dup, p.Arg163fs (NM_001406584.1, NM_001406585.1, NM_001406586.1 and 2 more transcripts); c.334-4855dup (NM_001406589.1); short protein forms R163fs, R191fs, R216fs, R207fs.
Identifiers: ClinVar variation 4721195 (VCV004721195.1).